The following is an entry in ClinVar:

ClinVar aggregate classification (germline): Conflicting classifications of pathogenicity. Review status: criteria provided, conflicting classifications (1 of 4 stars). 2 submissions from 2 submitters: Uncertain significance (1); Likely benign (1). Last evaluated 2026-06-11.

Conditions:
Hereditary cancer-predisposing syndrome. Also called: Tumor predisposition; Neoplastic Syndromes, Hereditary; Hereditary neoplastic syndrome; Hereditary Cancer Syndrome. Identifiers: Orphanet 140162, MedGen C0027672, MeSH D009386, MONDO:0015356.
Gorlin syndrome. Also called: Nevoid Basal Cell Carcinoma Syndrome; Basal cell nevus syndrome. Identifiers: Orphanet 377, MedGen C0004779, MONDO:0007187.

Submissions (2):

Ambry Genetics
Classification: Likely benign for Hereditary cancer-predisposing syndrome. Last evaluated: 2026-06-11. Review status: criteria provided, single submitter. Criteria: Ambry Variant Classification Scheme 2023. Collection method: clinical testing. Allele origin: germline.

Labcorp Genetics (formerly Invitae), Labcorp
Classification: Uncertain significance for Gorlin syndrome. Last evaluated: 2019-12-02. Review status: criteria provided, single submitter. Criteria: Invitae Variant Classification Sherloc (09022015). Collection method: clinical testing. Allele origin: germline.
Comment: This sequence change replaces glutamine with histidine at codon 11 of the PTCH1 protein (p.Gln11His). The glutamine residue is weakly conserved and there is a small physicochemical difference between glutamine and histidine. The frequency data for this variant in the population databases is considered unreliable, as metrics indicate insufficient coverage at this position in the ExAC database. In summary, the available evidence is currently insufficient to determine the role of this variant in disease. Therefore, it has been classified as a Variant of Uncertain Significance. Algorithms developed to predict the effect of missense changes on protein structure and function are either unavailable or do not agree on the potential impact of this missense change (SIFT: "Deleterious"; PolyPhen-2: "Benign"; Align-GVGD: "Class C0"). This variant has not been reported in the literature in individuals with PTCH1-related conditions.

NM_000264.5(PTCH1):c.33G>C (p.Gln11His)

Genes: PTCH1 (patched 1; minus strand), LOC130002133 (ATAC-STARR-seq lymphoblastoid silent region 20071; plus strand). Cytogenetic location: 9q22.32.
Variant type: single nucleotide variant.
Coding change: c.33G>C on transcript NM_000264.5 (MANE Select); coding-DNA position 33, G replaced by C.
Protein change: p.Gln11His; replaces glutamine 11 with histidine.
Molecular consequence: missense variant. On other transcripts: non-coding transcript variant (1), intron variant (3).
Genome position (GRCh38, 1-based): chr9:95,508,329, C>G on the plus strand (G>C on the coding strand, the complement: PTCH1 is on the minus strand). VCF-style: chr9-95508329-C-G. GRCh37 (hg19) VCF-style: chr9-98270611-C-G.
Other names: c.33G>C, p.Gln11His (NM_001354918.2); c.199-1730G>C (NM_001083603.3); c.4-1730G>C (NM_001083602.3, NM_001354919.2); short protein forms Q11H.
Identifiers: ClinVar variation 840935 (VCV000840935.13), dbSNP rs1320203029, ClinGen allele CA374121606.